The following is an entry in ClinVar:

NM_001277313.2(FMN1):c.2044-2761C>T

Gene: FMN1 (formin 1; minus strand). Cytogenetic location: 15q13.3.
Variant type: single nucleotide variant.
Coding change: c.2044-2761C>T on transcript NM_001277313.2 (MANE Select); 2761 bases into the intron before coding-DNA position 2044, C replaced by T.
Molecular consequence: intron variant. On other transcripts: missense variant (1).
Genome position (GRCh38, 1-based): chr15:33,067,835, G>A on the plus strand (C>T on the coding strand, the complement: FMN1 is on the minus strand). VCF-style: chr15-33067835-G-A. GRCh37 (hg19) VCF-style: chr15-33360036-G-A.
Other names: c.50C>T, p.Ala17Val (NM_001103184.4); short protein forms A17V.
Identifiers: ClinVar variation 4982372 (VCV004982372.1).
Genomic context (GRCh38, chr15:33,067,835, plus strand): 5'-GATTTCATAGAGAACTTACTCAGGATCGACTGAGCCACTTCAAGTCCGGCTTCTGGTTTT[G>A]CTGGTTCTGACACATCACTGCCATCCAGAGAATTATCAACGTTCTCCATGTCTCAGTAAT-3'

ClinVar aggregate classification (germline): Uncertain significance (1 of 4 stars; one submission).

Conditions:
FMN1-related disorder. Also called: FMN1-related condition.

gnomAD v4.1: 1 of 1,613,850 alleles (0.000062%); highest among the groups gnomAD compares: Admixed American, 0.0017%; no homozygotes.

Submission:

PreventionGenetics, part of Exact Sciences
Classification: Uncertain significance for FMN1-related condition. Last evaluated: 2025-05-29. Review status: criteria provided, single submitter. Criteria: ACMG Guidelines, 2015. Collection method: clinical testing. Allele origin: germline.
Comment: The FMN1 c.50C>T variant is predicted to result in the amino acid substitution p.Ala17Val. To our knowledge, this variant has not been reported in the literature or in a large population database (gnomAD), indicating this variant is rare. At this time, the clinical significance of this variant is uncertain due to the absence of conclusive functional and genetic evidence.